The following is an entry in ClinVar:

NM_001128840.3(CACNA1D):c.1555G>A (p.Ala519Thr)

Gene: CACNA1D (calcium voltage-gated channel subunit alpha1 D; plus strand). Cytogenetic location: 3p21.1.
Variant type: single nucleotide variant.
Coding change: c.1555G>A on transcript NM_001128840.3 (MANE Select); coding-DNA position 1555, G replaced by A.
Protein change: p.Ala519Thr; replaces alanine 519 with threonine.
Molecular consequence: missense variant.
Genome position (GRCh38, 1-based): chr3:53,722,363, G>A. VCF-style: chr3-53722363-G-A. GRCh37 (hg19) VCF-style: chr3-53756390-G-A.
Other names: c.1615G>A, p.Ala539Thr (NM_000720.4); c.1555G>A, p.Ala519Thr (NM_001128839.3); short protein forms A539T, A519T.
Identifiers: ClinVar variation 504804 (VCV000504804.13), dbSNP rs138150805, ClinGen allele CA2454033.

ClinVar aggregate classification (germline): Uncertain significance. Review status: criteria provided, multiple submitters, no conflicts (2 of 4 stars). 4 submissions from 4 submitters: Uncertain significance (4). Last evaluated 2026-01-11.

Allele frequency attached by ClinVar (database versions not stated): ExAC 0.00001; gnomAD 0.00001; gnomAD exomes 0.00001; TOPMed 0.00002; ESP Exome Variant Server 0.00008.
gnomAD v4.1: 11 of 1,614,088 alleles (0.00068%); highest among the groups gnomAD compares: East Asian, 0.0022%; no homozygotes.

Submissions (4):

Labcorp Genetics (formerly Invitae), Labcorp
Classification: Uncertain significance. Last evaluated: 2026-01-11. Review status: criteria provided, single submitter. Criteria: Invitae Variant Classification Sherloc (09022015). Collection method: clinical testing. Allele origin: germline.
Comment: This sequence change replaces alanine, which is neutral and non-polar, with threonine, which is neutral and polar, at codon 539 of the CACNA1D protein (p.Ala539Thr). This variant is present in population databases (rs138150805, gnomAD 0.004%). This variant has not been reported in the literature in individuals affected with CACNA1D-related conditions. ClinVar contains an entry for this variant (Variation ID: 504804). Invitae Evidence Modeling of protein sequence and biophysical properties (such as structural, functional, and spatial information, amino acid conservation, physicochemical variation, residue mobility, and thermodynamic stability) indicates that this missense variant is not expected to disrupt CACNA1D protein function with a negative predictive value of 80%. In summary, the available evidence is currently insufficient to determine the role of this variant in disease. Therefore, it has been classified as a Variant of Uncertain Significance.

Blueprint Genetics
Classification: Uncertain significance. Last evaluated: 2023-07-07. Review status: criteria provided, single submitter. Criteria: ACMG Guidelines, 2015. Collection method: clinical testing. Allele origin: germline.

GeneDx
Classification: Uncertain significance. Last evaluated: 2023-05-10. Review status: criteria provided, single submitter. Criteria: GeneDx Variant Classification Process June 2021. Collection method: clinical testing. Allele origin: germline. Affected: yes.
Comment: In silico analysis supports that this missense variant has a deleterious effect on protein structure/function; Has not been previously published as pathogenic or benign to our knowledge

Laboratory for Molecular Medicine, Mass General Brigham Personalized Medicine
Classification: Uncertain significance. Last evaluated: 2016-12-06. Review status: criteria provided, single submitter. Criteria: LMM Criteria. Collection method: clinical testing. Allele origin: germline. Observed: 1 variant allele.
Comment: The p.Ala539Thr variant in CACNA1D has not been previously reported in individua ls with hearing loss, but has been identified in 1/11576 Latino chromosomes by t he Exome Aggregation Consortium (ExAC; dbSNP rs1 38150805). Computational prediction tools and conservation analysis do not provi de strong support for or against an impact to the protein. In summary, the clini cal significance of the p.Ala539Thr variant is uncertain.